The following is an entry in ClinVar:

ClinVar aggregate classification (germline): Benign (1 of 4 stars; one submission).

Conditions:
Neuropathy, hereditary sensory and autonomic, type 1C. Also called: HSAN IC; HSN IC. Identifiers: Orphanet 36386, MedGen C3150896, MONDO:0013337, OMIM 613640.

Allele frequency attached by ClinVar (database versions not stated): gnomAD 0.00430 and 0.00449; TOPMed 0.00467; 1000 Genomes Project 0.00499; 1000 Genomes Project 30x 0.00609.

Submission:

Illumina Laboratory Services, Illumina
Classification: Benign for Neuropathy, hereditary sensory and autonomic, type 1C. Last evaluated: 2018-01-12. Review status: criteria provided, single submitter. Criteria: ICSL Variant Classification Criteria 13 December 2019. Collection method: clinical testing. Allele origin: germline.
Comment: This variant was observed in the ICSL laboratory as part of a predisposition screen in an ostensibly healthy population. It had not been previously curated by ICSL or reported in the Human Gene Mutation Database (HGMD: prior to June 1st, 2018), and was therefore a candidate for classification through an automated scoring system. Utilizing variant allele frequency, disease prevalence and penetrance estimates, and inheritance mode, an automated score was calculated to assess if this variant is too frequent to cause the disease. Based on the score and internal cut-off values, a variant classified as benign is not then subjected to further curation. The score for this variant resulted in a classification of benign for this disease.

NM_004863.4(SPTLC2):c.*3274C>T

Gene: SPTLC2 (serine palmitoyltransferase long chain base subunit 2; minus strand). Cytogenetic location: 14q24.3.
Variant type: single nucleotide variant.
Coding change: c.*3274C>T on transcript NM_004863.4 (MANE Select); 3274 bases downstream of the stop codon, C replaced by T.
Molecular consequence: 3 prime UTR variant.
Genome position (GRCh38, 1-based): chr14:77,509,010, G>A on the plus strand (C>T on the coding strand, the complement: SPTLC2 is on the minus strand). VCF-style: chr14-77509010-G-A. GRCh37 (hg19) VCF-style: chr14-77975353-G-A.
Identifiers: ClinVar variation 314611 (VCV000314611.5), dbSNP rs114274991, ClinGen allele CA10646374.